The following is an entry in ClinVar:

NM_031857.2(PCDHA9):c.1155T>G (p.Val385=)

Genes: PCDHA1 (protocadherin alpha 1; plus strand), PCDHA2 (protocadherin alpha 2; plus strand), PCDHA3 (protocadherin alpha 3; plus strand), PCDHA4 (protocadherin alpha 4; plus strand), PCDHA5 (protocadherin alpha 5; plus strand) and 5 more. Cytogenetic location: 5q31.3.
Variant type: single nucleotide variant.
Coding change: c.1155T>G on transcript NM_031857.2 (MANE Select); coding-DNA position 1155, T replaced by G.
Protein change: p.Val385=; no amino-acid change (valine 385 retained).
Molecular consequence: synonymous variant. On other transcripts: intron variant (10).
Genome position (GRCh38, 1-based): chr5:140,849,650, T>G. VCF-style: chr5-140849650-T-G. GRCh37 (hg19) VCF-style: chr5-140229235-T-G.
Other names: c.1155T>G, p.Val385= (NM_014005.5); c.2394+60966T>G (NM_018900.4); c.1602+61758T>G (NM_031411.3); c.2388+52298T>G (NM_018905.3); c.2394+46059T>G (NM_018906.3); c.2385+40078T>G (NM_018907.4); c.2352+25523T>G (NM_018908.3); c.2394+19165T>G (NM_018909.4); and 3 more.
Identifiers: ClinVar variation 3041470 (VCV003041470.2), dbSNP rs140138948, ClinGen allele CA3450359.

ClinVar aggregate classification (germline): Benign (0 of 4 stars; one submission).

Conditions:
PCDHA9-related disorder. Also called: PCDHA9-related condition.

Allele frequency attached by ClinVar (database versions not stated): gnomAD 0.01726; gnomAD exomes 0.02295; 1000 Genomes Project 30x 0.01015.
gnomAD v4.1: 35,883 of 1,598,700 alleles (2.2%); highest among the groups gnomAD compares: Middle Eastern, 4.4%; 3,605 homozygotes.

Submission:

PreventionGenetics, part of Exact Sciences
Classification: Benign for PCDHA9-related condition. Last evaluated: 2020-09-30. Review status: no assertion criteria provided. Collection method: clinical testing. Allele origin: germline.
Comment: This variant is classified as benign based on ACMG/AMP sequence variant interpretation guidelines (Richards et al. 2015 PMID: 25741868, with internal and published modifications).